The following is an entry in ClinVar:

NM_000228.3(LAMB3):c.2592dup (p.Ser865fs)

Gene: LAMB3 (laminin subunit beta 3; minus strand). Cytogenetic location: 1q32.2.
Variant type: Duplication.
Coding change: c.2592dup on transcript NM_000228.3 (MANE Select); coding-DNA position 2592, one base duplicated (A; older notation c.2592dupA).
Protein change: p.Ser865fs; shifts the reading frame from serine 865.
Molecular consequence: frameshift variant.
Genome position (GRCh38, 1-based): chr1:209,622,645, T duplicated on the plus strand (A on the coding strand, the reverse complement: LAMB3 is on the minus strand); the first of 2 consecutive T bases (chr1:209,622,645-209,622,646); duplicating either gives the same sequence. VCF-style (leftmost placement, unchanged base first): chr1-209622644-A-AT. GRCh37 (hg19) VCF-style: chr1-209795989-A-AT.
Other names: c.2592dup, p.Ser865fs (NM_001017402.2, NM_001127641.1); short protein forms S865fs.
Identifiers: ClinVar variation 1726123 (VCV001726123.3), dbSNP rs2464786761, ClinGen allele CA2580062003.

ClinVar aggregate classification (germline): Likely pathogenic (1 of 4 stars; one submission).

Conditions:
Junctional epidermolysis bullosa. Identifiers: Orphanet 305, MedGen C0079301, MONDO:0017612.

Submission:

Myriad Genetics, Inc.
Classification: Likely pathogenic for Junctional epidermolysis bullosa. Last evaluated: 2022-05-18. Review status: criteria provided, single submitter. Criteria: Myriad Autosomal Dominant, Autosomal Recessive and X-Linked Classification Criteria (2023). Collection method: clinical testing. Allele origin: unknown.
Comment: NM_000228.2(LAMB3):c.2592dupA(S865Ifs*41) is expected to be pathogenic in the context of junctional epidermolysis bullosa, LAMB3-related. This variant is predicted to lead to an abnormal or absent protein product due to the creation of a premature termination codon in LAMB3, a gene where loss-of-function variants are known to be pathogenic. Please note: this variant was assessed in the context of healthy population screening.